The following is an entry in ClinVar:

ClinVar aggregate classification (germline): Uncertain significance (1 of 4 stars; one submission).

Allele frequency attached by ClinVar (database versions not stated): gnomAD 0.00001; gnomAD exomes 0.00002; TOPMed 0.00002; ExAC 0.00003.

Submissions (2):

Labcorp Genetics (formerly Invitae), Labcorp
Classification: Uncertain significance. Last evaluated: 2022-03-15. Review status: criteria provided, single submitter. Criteria: Invitae Variant Classification Sherloc (09022015). Collection method: clinical testing. Allele origin: germline.
Comment: In summary, the available evidence is currently insufficient to determine the role of this variant in disease. Therefore, it has been classified as a Variant of Uncertain Significance. Algorithms developed to predict the effect of missense changes on protein structure and function (SIFT, PolyPhen-2, Align-GVGD) all suggest that this variant is likely to be tolerated. This variant has not been reported in the literature in individuals affected with GPAA1-related conditions. This variant is present in population databases (rs782651271, gnomAD 0.02%). This sequence change replaces asparagine, which is neutral and polar, with serine, which is neutral and polar, at codon 203 of the GPAA1 protein (p.Asn203Ser).

Dr. Peter K. Rogan Lab, Western University
No classification provided (evidence only). Condition: Clear cell carcinoma of kidney. Review status: no classification provided. Collection method: in vitro. Allele origin: not applicable. Functional consequence: retained intron. Not counted in ClinVar's aggregate classification.

NM_003801.4(GPAA1):c.608A>G (p.Asn203Ser)

Gene: GPAA1 (glycosylphosphatidylinositol anchor attachment 1; plus strand). Cytogenetic location: 8q24.3.
Variant type: single nucleotide variant.
Coding change: c.608A>G on transcript NM_003801.4 (MANE Select); coding-DNA position 608, A replaced by G.
Protein change: p.Asn203Ser; replaces asparagine 203 with serine.
Molecular consequence: missense variant.
Genome position (GRCh38, 1-based): chr8:144,084,032, A>G. VCF-style: chr8-144084032-A-G. GRCh37 (hg19) VCF-style: chr8-145138935-A-G.
Other names: short protein forms N203S.
Identifiers: ClinVar variation 2416063 (VCV002416063.4), dbSNP rs782651271, ClinGen allele CA4932869.